The following is an entry in ClinVar:

NM_138927.4(SON):c.2873T>A (p.Leu958Gln)

Gene: SON (SON DNA and RNA binding protein; plus strand). Cytogenetic location: 21q22.11.
Variant type: single nucleotide variant.
Coding change: c.2873T>A on transcript NM_138927.4 (MANE Select); coding-DNA position 2873, T replaced by A.
Protein change: p.Leu958Gln; replaces leucine 958 with glutamine.
Molecular consequence: missense variant. On other transcripts: non-coding transcript variant (1), intron variant (1).
Genome position (GRCh38, 1-based): chr21:33,552,104, T>A. VCF-style: chr21-33552104-T-A. GRCh37 (hg19) VCF-style: chr21-34924410-T-A.
Other names: c.2873T>A, p.Leu958Gln (NM_001291411.2, NM_001412133.1, NM_032195.3 and 2 more transcripts); c.245-5052T>A (NM_001291412.3); short protein forms L958Q.
Identifiers: ClinVar variation 2048793 (VCV002048793.4), dbSNP rs753138803, ClinGen allele CA10009184.

ClinVar aggregate classification (germline): Uncertain significance (1 of 4 stars; one submission).

Allele frequency attached by ClinVar (database versions not stated): ExAC 0.00001; gnomAD 0.00001; gnomAD exomes 0.00001.

Submission:

Labcorp Genetics (formerly Invitae), Labcorp
Classification: Uncertain significance. Last evaluated: 2021-12-19. Review status: criteria provided, single submitter. Criteria: Invitae Variant Classification Sherloc (09022015). Collection method: clinical testing. Allele origin: germline.
Comment: This sequence change replaces leucine, which is neutral and non-polar, with glutamine, which is neutral and polar, at codon 958 of the SON protein (p.Leu958Gln). In summary, the available evidence is currently insufficient to determine the role of this variant in disease. Therefore, it has been classified as a Variant of Uncertain Significance. Algorithms developed to predict the effect of missense changes on protein structure and function are either unavailable or do not agree on the potential impact of this missense change (SIFT: "Deleterious"; PolyPhen-2: "Probably Damaging"; Align-GVGD: "Class C0"). This variant has not been reported in the literature in individuals affected with SON-related conditions. This variant is present in population databases (rs753138803, gnomAD 0.003%).